The following is an entry in ClinVar:

NM_003622.4(PPFIBP1):c.2767G>C (p.Glu923Gln)

Gene: PPFIBP1 (PPFIA binding protein 1; plus strand). Cytogenetic location: 12p11.22.
Variant type: single nucleotide variant.
Coding change: c.2767G>C on transcript NM_003622.4 (MANE Select); coding-DNA position 2767, G replaced by C.
Protein change: p.Glu923Gln; replaces glutamic acid 923 with glutamine.
Molecular consequence: missense variant.
Genome position (GRCh38, 1-based): chr12:27,691,830, G>C. VCF-style: chr12-27691830-G-C. GRCh37 (hg19) VCF-style: chr12-27844763-G-C.
Other names: c.2326G>C, p.Glu776Gln (NM_001198915.2); c.2692G>C, p.Glu898Gln (NM_001198916.2); c.2785G>C, p.Glu929Gln (NM_177444.3); short protein forms E776Q, E898Q, E923Q, E929Q.
Identifiers: ClinVar variation 3036279 (VCV003036279.2), dbSNP rs140823525, ClinGen allele CA6493872.

ClinVar aggregate classification (germline): Likely benign (0 of 4 stars; one submission).

Conditions:
PPFIBP1-related disorder. Also called: PPFIBP1-related condition.

Allele frequency attached by ClinVar (database versions not stated): gnomAD exomes 0.00006; ExAC 0.00023; ESP Exome Variant Server 0.00069; gnomAD 0.00078; TOPMed 0.00091; 1000 Genomes Project 30x 0.00094; 1000 Genomes Project 0.00100.

Submission:

PreventionGenetics, part of Exact Sciences
Classification: Likely benign for PPFIBP1-related condition. Last evaluated: 2023-06-05. Review status: no assertion criteria provided. Collection method: clinical testing. Allele origin: germline.
Comment: This variant is classified as likely benign based on ACMG/AMP sequence variant interpretation guidelines (Richards et al. 2015 PMID: 25741868, with internal and published modifications).